The following is an entry in ClinVar:

NM_001352754.2(ARMC9):c.1554dup (p.Gln519fs)

Gene: ARMC9 (armadillo repeat containing 9; plus strand). Cytogenetic location: 2q37.1.
Variant type: Duplication.
Coding change: c.1554dup on transcript NM_001352754.2 (MANE Select); coding-DNA position 1554, one base duplicated (A; older notation c.1554dupA).
Protein change: p.Gln519fs; shifts the reading frame from glutamine 519.
Molecular consequence: frameshift variant. On other transcripts: non-coding transcript variant (1).
Genome position (GRCh38, 1-based): chr2:231,282,061, A duplicated. VCF-style (leftmost placement, unchanged base first): chr2-231282060-T-TA. GRCh37 (hg19) VCF-style: chr2-232146773-T-TA.
Other names: c.1554dup, p.Gln519fs (NM_001271466.4, NM_001291656.2, NM_001352755.2 and 3 more transcripts); c.1455dup, p.Gln486fs (NM_001352757.2, NM_001352758.2); short protein forms Q519fs, Q486fs.
Identifiers: ClinVar variation 2091028 (VCV002091028.5), dbSNP rs1346443930, ClinGen allele CA539948020.
Genomic context (GRCh38, chr2:231,282,060, plus strand): 5'-ATAGAGTTGTGCAGTATTTGAAAACTTGCAAATAACTGGTTTTTTTCCTCCCCTTAAAGA[T>TA]ACAGCCGTATGTGAATGGAGCTCTGTACAGCATCCTTTCTGTTCCATCCATTCGTGAGGA-3'

ClinVar aggregate classification (germline): Pathogenic/Likely pathogenic. Review status: criteria provided, multiple submitters, no conflicts (2 of 4 stars). 2 submissions from 2 submitters: Pathogenic (1); Likely pathogenic (1). Last evaluated 2022-04-09.

Conditions:
ARMC9-related disorder. Also called: ARMC9-related condition.

Allele frequency attached by ClinVar (database versions not stated): gnomAD 0.00001; TOPMed 0.00001; gnomAD exomes 0.00003.

Submissions (2):

Labcorp Genetics (formerly Invitae), Labcorp
Classification: Pathogenic. Last evaluated: 2022-04-09. Review status: criteria provided, single submitter. Criteria: Invitae Variant Classification Sherloc (09022015). Collection method: clinical testing. Allele origin: germline.
Comment: For these reasons, this variant has been classified as Pathogenic. This variant has not been reported in the literature in individuals affected with ARMC9-related conditions. This variant is present in population databases (no rsID available, gnomAD 0.003%). This sequence change creates a premature translational stop signal (p.Gln519Thrfs*19) in the ARMC9 gene. It is expected to result in an absent or disrupted protein product. Loss-of-function variants in ARMC9 are known to be pathogenic (PMID: 28625504).

Blueprint Genetics
Classification: Likely pathogenic for ARMC9-related disorders. Last evaluated: 2019-08-19. Review status: criteria provided, single submitter. Criteria: ACMG Guidelines, 2015. Collection method: clinical testing. Allele origin: germline. Affected: yes. Observed: 3 variant alleles.

Literature cited by the submitters: PubMed 28625504 (cited by Labcorp Genetics (formerly Invitae), Labcorp).